The following is an entry in ClinVar:

NM_014314.4(RIGI):c.953+51A>G

Gene: RIGI (RNA sensor RIG-I; minus strand). Cytogenetic location: 9p21.1.
Variant type: single nucleotide variant.
Coding change: c.953+51A>G on transcript NM_014314.4 (MANE Select); 51 bases into the intron after coding-DNA position 953, A replaced by G.
Molecular consequence: intron variant.
Genome position (GRCh38, 1-based): chr9:32,488,683, T>C on the plus strand (A>G on the coding strand, the complement: RIGI is on the minus strand). VCF-style: chr9-32488683-T-C. GRCh37 (hg19) VCF-style: chr9-32488681-T-C.
Other names: NC_000009.11:g.32488681T>C; c.344+51A>G (NM_001385912.1); c.938+51A>G (NM_001385913.1); c.953+51A>G (NM_001385907.1, NM_001385909.1); c.509+51A>G (NM_001385914.1); c.512+51A>G (NM_001385910.1).
Identifiers: ClinVar variation 2637889 (VCV002637889.3), dbSNP rs10971002, ClinGen allele CA5019949.

ClinVar aggregate classification (germline): Benign (1 of 4 stars; one submission).

gnomAD v4.1: 94,578 of 1,467,870 alleles (6.4%); highest among the groups gnomAD compares: Admixed American, 15%; 3,714 homozygotes.

Submissions (11):

Unidad de Genómica Garrahan, Hospital de Pediatría Garrahan
Classification: Benign. Last evaluated: 2023-11-14. Review status: criteria provided, single submitter. Criteria: ACMG Guidelines, 2015. Collection method: clinical testing. Allele origin: germline. Affected: no. Observed: 19 variant alleles.
Comment: This variant is classified as Benign based on local population frequency. This variant was detected in 20% of patients studied by a panel of primary immunodeficiencies. Number of patients: 19. Only high quality variants are reported.

Dr. Peter K. Rogan Lab, Western University
No classification provided (evidence only). Condition: Uterine corpus endometrial carcinoma. Review status: no classification provided. Collection method: in vitro. Allele origin: not applicable. Functional consequence: retained intron. Not counted in ClinVar's aggregate classification.

Dr. Peter K. Rogan Lab, Western University
No classification provided (evidence only). Condition: Uterine corpus endometrial carcinoma. Review status: no classification provided. Collection method: in vitro. Allele origin: not applicable. Functional consequence: retained intron. Not counted in ClinVar's aggregate classification.

Dr. Peter K. Rogan Lab, Western University
No classification provided (evidence only). Condition: Uterine corpus endometrial carcinoma. Review status: no classification provided. Collection method: in vitro. Allele origin: not applicable. Functional consequence: retained intron. Not counted in ClinVar's aggregate classification.

Dr. Peter K. Rogan Lab, Western University
No classification provided (evidence only). Condition: Uterine corpus endometrial carcinoma. Review status: no classification provided. Collection method: in vitro. Allele origin: not applicable. Functional consequence: skipped exon, retained intron. Not counted in ClinVar's aggregate classification.

Dr. Peter K. Rogan Lab, Western University
No classification provided (evidence only). Condition: Sarcoma. Review status: no classification provided. Collection method: in vitro. Allele origin: not applicable. Functional consequence: retained intron. Not counted in ClinVar's aggregate classification.

Dr. Peter K. Rogan Lab, Western University
No classification provided (evidence only). Condition: Thymoma. Review status: no classification provided. Collection method: in vitro. Allele origin: not applicable. Functional consequence: retained intron. Not counted in ClinVar's aggregate classification.

Dr. Peter K. Rogan Lab, Western University
No classification provided (evidence only). Condition: Thymoma. Review status: no classification provided. Collection method: in vitro. Allele origin: not applicable. Functional consequence: retained intron. Not counted in ClinVar's aggregate classification.

Dr. Peter K. Rogan Lab, Western University
No classification provided (evidence only). Condition: Thymoma. Review status: no classification provided. Collection method: in vitro. Allele origin: not applicable. Functional consequence: retained intron. Not counted in ClinVar's aggregate classification.

Dr. Peter K. Rogan Lab, Western University
No classification provided (evidence only). Condition: Cholangiocarcinoma. Review status: no classification provided. Collection method: in vitro. Allele origin: not applicable. Functional consequence: retained intron. Not counted in ClinVar's aggregate classification.

Dr. Peter K. Rogan Lab, Western University
No classification provided (evidence only). Condition: Uterine carcinosarcoma. Review status: no classification provided. Collection method: in vitro. Allele origin: not applicable. Functional consequence: retained intron. Not counted in ClinVar's aggregate classification.